The following is an entry in ClinVar:

NM_014000.3(VCL):c.2876A>G (p.Asn959Ser)

Gene: VCL (vinculin; plus strand). Cytogenetic location: 10q22.2.
Variant type: single nucleotide variant.
Coding change: c.2876A>G on transcript NM_014000.3 (MANE Select); coding-DNA position 2876, A replaced by G.
Protein change: p.Asn959Ser; replaces asparagine 959 with serine.
Molecular consequence: missense variant. On other transcripts: intron variant (1).
Genome position (GRCh38, 1-based): chr10:74,112,039, A>G. VCF-style: chr10-74112039-A-G. GRCh37 (hg19) VCF-style: chr10-75871797-A-G.
Other names: c.2746-2145A>G (NM_003373.4); short protein forms N959S.
Identifiers: ClinVar variation 3714422 (VCV003714422.2).

ClinVar aggregate classification (germline): Uncertain significance (1 of 4 stars; one submission).

Conditions:
Dilated cardiomyopathy 1W (CMD1W). Identifiers: Orphanet 154, MedGen C1969639, MONDO:0012667, OMIM 611407.

gnomAD v4.1: 8 of 1,614,166 alleles (0.0005%); highest among the groups gnomAD compares: South Asian, 0.0022%; no homozygotes.

Submission:

Labcorp Genetics (formerly Invitae), Labcorp
Classification: Uncertain significance for Dilated cardiomyopathy 1W. Last evaluated: 2024-02-25. Review status: criteria provided, single submitter. Criteria: Invitae Variant Classification Sherloc (09022015). Collection method: clinical testing. Allele origin: germline.
Comment: This sequence change replaces asparagine, which is neutral and polar, with serine, which is neutral and polar, at codon 959 of the VCL protein (p.Asn959Ser). This variant is present in population databases (rs751966871, gnomAD 0.003%). This variant has not been reported in the literature in individuals affected with VCL-related conditions. Algorithms developed to predict the effect of missense changes on protein structure and function output the following: SIFT: "Not Available"; PolyPhen-2: "Benign"; Align-GVGD: "Not Available". The serine amino acid residue is found in multiple mammalian species, which suggests that this missense change does not adversely affect protein function. In summary, the available evidence is currently insufficient to determine the role of this variant in disease. Therefore, it has been classified as a Variant of Uncertain Significance.